The following is an entry in ClinVar:

NM_000038.6(APC):c.2385C>T (p.Leu795=)

Gene: APC (APC regulator of Wnt signaling pathway; plus strand). Cytogenetic location: 5q22.2.
Variant type: single nucleotide variant.
Coding change: c.2385C>T on transcript NM_000038.6 (MANE Select); coding-DNA position 2385, C replaced by T.
Protein change: p.Leu795=; no amino-acid change (leucine 795 retained).
Molecular consequence: synonymous variant.
Genome position (GRCh38, 1-based): chr5:112,837,979, C>T. VCF-style: chr5-112837979-C-T. GRCh37 (hg19) VCF-style: chr5-112173676-C-T.
Other names: c.2385C>T, p.Leu795= (NM_001127510.3, NM_001354895.2); c.2331C>T, p.Leu777= (NM_001127511.3); c.2439C>T, p.Leu813= (NM_001354896.2); c.2415C>T, p.Leu805= (NM_001354897.2); c.2310C>T, p.Leu770= (NM_001354898.2); c.2301C>T, p.Leu767= (NM_001354899.2); c.2262C>T, p.Leu754= (NM_001354900.2); c.2208C>T, p.Leu736= (NM_001354901.2); and 5 more.
Identifiers: ClinVar variation 83234 (VCV000083234.37), dbSNP rs80188155, ClinGen allele CA007390.
Genomic context (GRCh38, chr5:112,837,979, plus strand): 5'-TATAGACAATTTAAGTCCCAAGGCATCTCATCGTAGTAAGCAGAGACACAAGCAAAGTCT[C>T]TATGGTGATTATGTTTTTGACACCAATCGACATGATGATAATAGGTCAGACAATTTTAAT-3'
Protein context (NP_000029.2, residues 785-805): HRSKQRHKQS[Leu795=]YGDYVFDTNR

ClinVar aggregate classification (germline): Benign/Likely benign. Review status: criteria provided, multiple submitters, no conflicts (2 of 4 stars). 9 submissions from 9 submitters: Benign (1); Likely benign (6). 2 of the submissions do not count toward it. Last evaluated 2026-01-07.

Conditions:
Classic or attenuated familial adenomatous polyposis. Identifiers: MedGen CN372698, MONDO:0021057.
Hereditary cancer-predisposing syndrome. Also called: Hereditary Cancer Syndrome; Tumor predisposition; Neoplastic Syndromes, Hereditary; Hereditary neoplastic syndrome. Identifiers: Orphanet 140162, MedGen C0027672, MeSH D009386, MONDO:0015356.
Familial adenomatous polyposis 1 (FAP1). Also called: FAMILIAL ADENOMATOUS POLYPOSIS 1, ATTENUATED; POLYPOSIS, ADENOMATOUS INTESTINAL. Identifiers: MedGen C2713442, MONDO:0021056, OMIM 175100. Disease mechanism: loss of function.
Familial colorectal cancer. Identifiers: MedGen CN280943, MONDO:0023113. Disease mechanism: loss of function.

Allele frequency attached by ClinVar (database versions not stated): gnomAD below 0.00001 and 0.00001; gnomAD exomes below 0.00001 and 0.00002; ExAC 0.00002; TOPMed 0.00003.
gnomAD v4.1: 5 of 1,613,990 alleles (0.00031%); highest among the groups gnomAD compares: South Asian, 0.0033%; no homozygotes.

Submissions (9):

Labcorp Genetics (formerly Invitae), Labcorp
Classification: Likely benign for Familial adenomatous polyposis 1. Last evaluated: 2026-01-07. Review status: criteria provided, single submitter. Criteria: Invitae Variant Classification Sherloc (09022015). Collection method: clinical testing. Allele origin: germline.

CeGaT Center for Human Genetics Tuebingen
Classification: Likely benign. Last evaluated: 2024-10-01. Review status: criteria provided, single submitter. Criteria: CeGaT Center For Human Genetics Tuebingen Variant Classification Criteria Version 2. Collection method: clinical testing. Allele origin: germline. Affected: yes. Observed: 1 variant allele.
Comment: APC: BP4, BP7

All of Us Research Program, National Institutes of Health
Classification: Likely benign for Classic or attenuated familial adenomatous polyposis. Last evaluated: 2023-07-10. Review status: criteria provided, single submitter. Criteria: ACMG Guidelines, 2015. Collection method: clinical testing. Allele origin: germline. Inheritance: Autosomal dominant inheritance. Observed: 1 variant allele, 1 heterozygote.
Comment: This study involves interpretation of variants in research participants for the purpose of population health screening. Participant phenotype was not available at the time of variant classification. Additional details can be found in publication PMID: 35346344, PMCID: PMC8962531

Myriad Genetics, Inc.
Classification: Benign for Familial adenomatous polyposis 1. Last evaluated: 2023-02-22. Review status: criteria provided, single submitter. Criteria: Myriad Autosomal Dominant, Autosomal Recessive and X-Linked Classification Criteria (2023). Collection method: clinical testing. Allele origin: unknown.
Comment: This variant is considered benign. This variant is a silent/synonymous amino acid change and it is not expected to impact splicing.

Sema4
Classification: Likely benign for Hereditary cancer-predisposing syndrome. Last evaluated: 2021-06-07. Review status: criteria provided, single submitter. Criteria: Sema4 Curation Guidelines. Collection method: curation. Allele origin: germline.

Ambry Genetics
Classification: Likely benign for Hereditary cancer-predisposing syndrome. Last evaluated: 2017-06-13. Review status: criteria provided, single submitter. Criteria: Ambry Variant Classification Scheme 2023. Collection method: clinical testing. Allele origin: germline.

Color Diagnostics, LLC DBA Color Health
Classification: Likely benign for Hereditary cancer-predisposing syndrome. Last evaluated: 2016-06-15. Review status: criteria provided, single submitter. Criteria: ACMG Guidelines, 2015. Collection method: clinical testing. Allele origin: germline.

Counsyl
Classification: Likely benign for Familial adenomatous polyposis 1. Last evaluated: 2016-08-29. Review status: no assertion criteria provided. Collection method: clinical testing. Allele origin: unknown. Not counted in ClinVar's aggregate classification.

Systems Biology Platform Zhejiang California International NanoSystems Institute
Classification: other for Familial colorectal cancer. Review status: no assertion criteria provided. Collection method: not provided. Allele origin: unknown. Not counted in ClinVar's aggregate classification.
ClinVar note: Converted during submission from cancer to other.